The following is an entry in ClinVar:

ClinVar aggregate classification (germline): Uncertain significance (1 of 4 stars; one submission).

Conditions:
Hereditary cancer-predisposing syndrome. Also called: Tumor predisposition; Hereditary neoplastic syndrome; Hereditary Cancer Syndrome; Neoplastic Syndromes, Hereditary. Identifiers: Orphanet 140162, MedGen C0027672, MeSH D009386, MONDO:0015356.

Submission:

Ambry Genetics
Classification: Uncertain significance for Hereditary cancer-predisposing syndrome. Last evaluated: 2025-05-24. Review status: criteria provided, single submitter. Criteria: Ambry Variant Classification Scheme 2023. Collection method: clinical testing. Allele origin: germline.
Comment: The p.T322K variant (also known as c.965C>A), located in coding exon 10 of the RAD51D gene, results from a C to A substitution at nucleotide position 965. The threonine at codon 322 is replaced by lysine, an amino acid with similar properties. This amino acid position is conserved. In addition, this alteration is predicted to be tolerated by in silico analysis. Based on the available evidence, the clinical significance of this variant remains unclear.

NM_002878.4(RAD51D):c.965C>A (p.Thr322Lys)

Genes: RAD51D (RAD51 paralog D; minus strand), RAD51L3-RFFL (RAD51L3-RFFL readthrough; minus strand). Cytogenetic location: 17q12.
Variant type: single nucleotide variant.
Coding change: c.965C>A on transcript NM_002878.4 (MANE Select); coding-DNA position 965, C replaced by A.
Protein change: p.Thr322Lys; replaces threonine 322 with lysine.
Molecular consequence: missense variant. On other transcripts: non-coding transcript variant (2).
Genome position (GRCh38, 1-based): chr17:35,100,975, G>T on the plus strand (C>A on the coding strand, the complement: RAD51D is on the minus strand). VCF-style: chr17-35100975-G-T. GRCh37 (hg19) VCF-style: chr17-33427994-G-T.
Other names: c.1025C>A, p.Thr342Lys (NM_001142571.2); c.629C>A, p.Thr210Lys (NM_133629.3); short protein forms T322K, T210K, T342K.
Identifiers: ClinVar variation 3942392 (VCV003942392.1).